The following is an entry in ClinVar:

NM_025074.7(FRAS1):c.1392C>T (p.Leu464=)

Gene: FRAS1 (Fraser extracellular matrix complex subunit 1; plus strand). Cytogenetic location: 4q21.21.
Variant type: single nucleotide variant.
Coding change: c.1392C>T on transcript NM_025074.7 (MANE Select); coding-DNA position 1392, C replaced by T.
Protein change: p.Leu464=; no amino-acid change (leucine 464 retained).
Molecular consequence: synonymous variant.
Genome position (GRCh38, 1-based): chr4:78,284,541, C>T. VCF-style: chr4-78284541-C-T. GRCh37 (hg19) VCF-style: chr4-79205695-C-T.
Other names: c.1392C>T, p.Leu464= (NM_001166133.2).
Identifiers: ClinVar variation 3028984 (VCV003028984.2), dbSNP rs948317546, ClinGen allele CA99921056.

ClinVar aggregate classification (germline): Likely benign (0 of 4 stars; one submission).

Conditions:
FRAS1-related disorder. Also called: FRAS1-related condition.

gnomAD v4.1: 2 of 1,610,604 alleles (0.00012%); highest among the groups gnomAD compares: Middle Eastern, 0.017%; no homozygotes.

Submission:

PreventionGenetics, part of Exact Sciences
Classification: Likely benign for FRAS1-related condition. Last evaluated: 2021-05-26. Review status: no assertion criteria provided. Collection method: clinical testing. Allele origin: germline.
Comment: This variant is classified as likely benign based on ACMG/AMP sequence variant interpretation guidelines (Richards et al. 2015 PMID: 25741868, with internal and published modifications).